The following is an entry in ClinVar:

NM_000334.4(SCN4A):c.2689A>G (p.Met897Val)

Genes: GH-LCR (growth hormone locus control region; plus strand), SCN4A (sodium voltage-gated channel alpha subunit 4; minus strand). Cytogenetic location: 17q23.3.
Variant type: single nucleotide variant.
Coding change: c.2689A>G on transcript NM_000334.4 (MANE Select); coding-DNA position 2689, A replaced by G.
Protein change: p.Met897Val; replaces methionine 897 with valine.
Molecular consequence: missense variant.
Genome position (GRCh38, 1-based): chr17:63,951,588, T>C on the plus strand (A>G on the coding strand, the complement: SCN4A is on the minus strand). VCF-style: chr17-63951588-T-C. GRCh37 (hg19) VCF-style: chr17-62028948-T-C.
Other names: short protein forms M897V.
Identifiers: ClinVar variation 2648089 (VCV002648089.27), dbSNP rs375067766, ClinGen allele CA8709525.

ClinVar aggregate classification (germline): Uncertain significance. Review status: criteria provided, multiple submitters, no conflicts (2 of 4 stars). 3 submissions from 3 submitters: Uncertain significance (3). Last evaluated 2025-08-01.

Conditions:
Congenital myopathy 22A, classic (CMYO22A). Identifiers: MedGen C5830453, MONDO:0957247, OMIM 620351.
Hyperkalemic periodic paralysis. Also called: Familial hyperkalemic periodic paralysis; Gamstorp disease. Identifiers: Orphanet 682, MedGen C0238357, MONDO:0008224, OMIM 170500, HP:0007215.
Hypokalemic periodic paralysis, type 2 (HOKPP2). Identifiers: Orphanet 681, MedGen C2750061, MONDO:0013234, OMIM 613345.
Congenital myopathy 22B, severe fetal (CMYO22B). Identifiers: MedGen C5830501, MONDO:0957265, OMIM 620369.
Congenital myasthenic syndrome 16. Identifiers: Orphanet 590, MedGen C3280112, MONDO:0013620, OMIM 614198.
Potassium-aggravated myotonia. Also called: MYOTONIA CONGENITA, ACETAZOLAMIDE-RESPONSIVE; MYOTONIA CONGENITA, ATYPICAL; SODIUM CHANNEL MUSCLE DISEASE; Myotonia congenita, atypical, acetazolamide-responsive. Identifiers: Orphanet 612, Orphanet 99734, Orphanet 99735, Orphanet 99736, MedGen C2931826, MONDO:0018959, OMIM 608390.
Paramyotonia congenita of Von Eulenburg. Also called: Paramyotonia Congenita; PARALYSIS PERIODICA PARAMYOTONICA; Eulenburg disease; Myotonia congenita intermittens; Von Eulenburg paramyotonia congenita. Identifiers: Orphanet 684, MedGen C0221055, MONDO:0008195, OMIM 168300. Disease mechanism: loss of function.

Allele frequency attached by ClinVar (database versions not stated): ExAC 0.00001; gnomAD exomes 0.00001; ESP Exome Variant Server 0.00008.
gnomAD v4.1: 17 of 1,613,906 alleles (0.0011%); highest among the groups gnomAD compares: South Asian, 0.0099%; no homozygotes.

Submissions (3):

CeGaT Center for Human Genetics Tuebingen
Classification: Uncertain significance. Last evaluated: 2025-08-01. Review status: criteria provided, single submitter. Criteria: CeGaT Center For Human Genetics Tuebingen Variant Classification Criteria Version 2. Collection method: clinical testing. Allele origin: germline. Affected: yes. Observed: 2 variant alleles.
Comment: SCN4A: PM2, BP4

Labcorp Genetics (formerly Invitae), Labcorp
Classification: Uncertain significance for Hyperkalemic periodic paralysis. Last evaluated: 2025-06-22. Review status: criteria provided, single submitter. Criteria: Invitae Variant Classification Sherloc (09022015). Collection method: clinical testing. Allele origin: germline.
Comment: This sequence change replaces methionine, which is neutral and non-polar, with valine, which is neutral and non-polar, at codon 897 of the SCN4A protein (p.Met897Val). This variant is present in population databases (rs375067766, gnomAD 0.01%). This variant has not been reported in the literature in individuals affected with SCN4A-related conditions. ClinVar contains an entry for this variant (Variation ID: 2648089). Invitae Evidence Modeling of protein sequence and biophysical properties (such as structural, functional, and spatial information, amino acid conservation, physicochemical variation, residue mobility, and thermodynamic stability) indicates that this missense variant is not expected to disrupt SCN4A protein function with a negative predictive value of 95%. In summary, the available evidence is currently insufficient to determine the role of this variant in disease. Therefore, it has been classified as a Variant of Uncertain Significance.

Fulgent Genetics
Classification: Uncertain significance for Paramyotonia congenita of Von Eulenburg; Hyperkalemic periodic paralysis; Potassium-aggravated myotonia; Hypokalemic periodic paralysis, type 2; Congenital myasthenic syndrome 16; Congenital myopathy 22A, classic; Congenital myopathy 22B, severe fetal. Last evaluated: 2024-04-28. Review status: criteria provided, single submitter. Criteria: ACMG Guidelines, 2015. Collection method: clinical testing. Allele origin: germline.